The following is an entry in ClinVar:

NM_000059.4(BRCA2):c.8185A>T (p.Lys2729Ter)

Gene: BRCA2 (BRCA2 DNA repair associated; plus strand). Cytogenetic location: 13q13.1.
Variant type: single nucleotide variant.
Coding change: c.8185A>T on transcript NM_000059.4 (MANE Select); coding-DNA position 8185, A replaced by T.
Protein change: p.Lys2729Ter; replaces lysine 2729 with a stop codon.
Molecular consequence: nonsense. On other transcripts: non-coding transcript variant (1).
Genome position (GRCh38, 1-based): chr13:32,363,387, A>T. VCF-style: chr13-32363387-A-T. GRCh37 (hg19) VCF-style: chr13-32937524-A-T.
Other names: c.8089A>T, p.Lys2697Ter (NM_001406719.1); c.8185A>T, p.Lys2729Ter (NM_001406720.1); c.3253A>T, p.Lys1085Ter (NM_001406721.1); c.1768A>T, p.Lys590Ter (NM_001406722.1); short protein forms K1085*, K2697*, K2729*, K590*.
Identifiers: ClinVar variation 3254047 (VCV003254047.1), dbSNP rs2072758358.
Genomic context (GRCh38, chr13:32,363,387, plus strand): 5'-AGTAGTGCAGATACCCAAAAAGTGGCCATTATTGAACTTACAGATGGGTGGTATGCTGTT[A>T]AGGCCCAGTTAGATCCTCCCCTCTTAGCTGTCTTAAAGAATGGCAGACTGACAGTTGGTC-3'

ClinVar aggregate classification (germline): Pathogenic (1 of 4 stars; one submission).

Conditions:
Breast-ovarian cancer, familial, susceptibility to, 2 (BROVCA2). Also called: BRCA2 Hereditary Breast and Ovarian Cancer. Identifiers: Orphanet 145, MedGen C2675520, MONDO:0012933, OMIM 612555. Disease mechanism: loss of function.

Submission:

Myriad Genetics, Inc.
Classification: Pathogenic for Breast-ovarian cancer, familial, susceptibility to, 2. Last evaluated: 2024-05-21. Review status: criteria provided, single submitter. Criteria: Myriad Autosomal Dominant, Autosomal Recessive and X-Linked Classification Criteria (2023). Collection method: clinical testing. Allele origin: unknown.
Comment: This variant is considered pathogenic. This variant creates a termination codon and is predicted to result in premature protein truncation.